The following is an entry in ClinVar:

NM_199242.3(UNC13D):c.2663G>A (p.Ser888Asn)

Genes: UNC13D (unc-13 homolog D; minus strand), LOC112533672 (Sharpr-MPRA regulatory region 1193; plus strand). Cytogenetic location: 17q25.1.
Variant type: single nucleotide variant.
Coding change: c.2663G>A on transcript NM_199242.3 (MANE Select); coding-DNA position 2663, G replaced by A.
Protein change: p.Ser888Asn; replaces serine 888 with asparagine.
Molecular consequence: missense variant.
Genome position (GRCh38, 1-based): chr17:75,830,624, C>T on the plus strand (G>A on the coding strand, the complement: UNC13D is on the minus strand). VCF-style: chr17-75830624-C-T. GRCh37 (hg19) VCF-style: chr17-73826705-C-T.
Other names: short protein forms S888N.
Identifiers: ClinVar variation 1412494 (VCV001412494.3), dbSNP rs764514797, ClinGen allele CA401080760.

ClinVar aggregate classification (germline): Uncertain significance (1 of 4 stars; one submission).

Conditions:
Familial hemophagocytic lymphohistiocytosis 3 (FHL3). Also called: UNC13D-Related Familial Hemophagocytic Lymphohistiocytosis (UNC13D-fHLH). Identifiers: Orphanet 540, MedGen C1837174, MONDO:0012146, OMIM 608898.

Submission:

Labcorp Genetics (formerly Invitae), Labcorp
Classification: Uncertain significance for Familial hemophagocytic lymphohistiocytosis 3. Last evaluated: 2021-12-27. Review status: criteria provided, single submitter. Criteria: Invitae Variant Classification Sherloc (09022015). Collection method: clinical testing. Allele origin: germline.
Comment: This sequence change replaces serine, which is neutral and polar, with asparagine, which is neutral and polar, at codon 888 of the UNC13D protein (p.Ser888Asn). This variant is not present in population databases (gnomAD no frequency). This variant has not been reported in the literature in individuals affected with UNC13D-related conditions. Algorithms developed to predict the effect of missense changes on protein structure and function are either unavailable or do not agree on the potential impact of this missense change (SIFT: "Not Available"; PolyPhen-2: "Benign"; Align-GVGD: "Not Available"). In summary, the available evidence is currently insufficient to determine the role of this variant in disease. Therefore, it has been classified as a Variant of Uncertain Significance.